The following is an entry in ClinVar:

ClinVar aggregate classification (germline): Benign/Likely benign. Review status: criteria provided, multiple submitters, no conflicts (2 of 4 stars). 10 submissions from 10 submitters: Benign (6); Likely benign (4). Last evaluated 2026-09-01.

Conditions:
Cardiovascular phenotype. Identifiers: MedGen CN230736.
Ehlers-Danlos syndrome (EDS). Identifiers: Orphanet 98249, MedGen C0013720, MONDO:0020066.
Brittle cornea syndrome 1 (BCS1). Also called: CORNEAL FRAGILITY, KERATOGLOBUS, BLUE SCLERAE, JOINT HYPEREXTENSIBILITY; EDS6B; FRAGILITAS OCULI WITH JOINT HYPEREXTENSIBILITY; DYSGENESIS MESODERMALIS CORNEAE ET SCLERAE; Corneal fragility keratoglobus, blue sclerae AND joint hypermobility. Identifiers: Orphanet 90354, MedGen C0268344, MONDO:0024543, OMIM 229200.

Allele frequency attached by ClinVar (database versions not stated): 1000 Genomes Project 0.00399; 1000 Genomes Project 30x 0.00437; ESP Exome Variant Server 0.00921; TOPMed 0.00932.
gnomAD v4.1: 17,782 of 1,546,350 alleles (1.1%); highest among the groups gnomAD compares: Middle Eastern, 3%; 149 homozygotes.

Submissions (10):

CeGaT Center for Human Genetics Tuebingen
Classification: Benign. Last evaluated: 2026-09-01. Review status: criteria provided, single submitter. Criteria: CeGaT Center For Human Genetics Tuebingen Variant Classification Criteria Version 2. Collection method: clinical testing. Allele origin: germline. Affected: yes. Observed: 51 variant alleles.
Comment: ZNF469: BP4, BS1, BS2

Women's Health and Genetics/Laboratory Corporation of America, LabCorp
Classification: Likely benign. Last evaluated: 2026-03-31. Review status: criteria provided, single submitter. Criteria: LabCorp Variant Classification Summary - May 2015. Collection method: clinical testing. Allele origin: germline.

Labcorp Genetics (formerly Invitae), Labcorp
Classification: Benign. Last evaluated: 2026-02-04. Review status: criteria provided, single submitter. Criteria: Invitae Variant Classification Sherloc (09022015). Collection method: clinical testing. Allele origin: germline.

Genomic Medicine Center of Excellence, King Faisal Specialist Hospital and Research Centre
Classification: Likely benign for Brittle cornea syndrome 1. Last evaluated: 2025-07-30. Review status: criteria provided, single submitter. Criteria: ACMG Guidelines, 2015. Collection method: clinical testing. Allele origin: germline.

Blueprint Genetics
Classification: Likely benign. Last evaluated: 2024-11-27. Review status: criteria provided, single submitter. Criteria: ACMG Guidelines, 2015. Collection method: clinical testing. Allele origin: germline.

Mayo Clinic Laboratories, Mayo Clinic
Classification: Benign. Last evaluated: 2023-02-09. Review status: criteria provided, single submitter. Criteria: ACMG Guidelines, 2015. Collection method: clinical testing. Allele origin: germline. Observed: 85 variant alleles.
Comment: BS1, BS2, BP4

Genome Diagnostics Laboratory, The Hospital for Sick Children
Classification: Benign for Ehlers-Danlos syndrome. Last evaluated: 2022-02-08. Review status: criteria provided, single submitter. Criteria: ACMG Guidelines, 2015. Collection method: clinical testing. Allele origin: germline.

Ambry Genetics
Classification: Likely benign for Cardiovascular phenotype. Last evaluated: 2019-02-15. Review status: criteria provided, single submitter. Criteria: Ambry Variant Classification Scheme 2023. Collection method: clinical testing. Allele origin: germline.

GeneDx
Classification: Benign. Last evaluated: 2016-10-20. Review status: criteria provided, single submitter. Criteria: GeneDx Variant Classification (06012015). Collection method: clinical testing. Allele origin: germline. Affected: yes.
Comment: This variant is considered likely benign or benign based on one or more of the following criteria: it is a conservative change, it occurs at a poorly conserved position in the protein, it is predicted to be benign by multiple in silico algorithms, and/or has population frequency not consistent with disease.

Eurofins Ntd Llc (ga)
Classification: Benign. Last evaluated: 2015-04-02. Review status: criteria provided, single submitter. Criteria: EGL Classification Definitions 2015. Collection method: clinical testing. Allele origin: germline. Observed: 1 variant allele, 1 heterozygote.

NM_001367624.2(ZNF469):c.10326G>C (p.Arg3442Ser)

Gene: ZNF469 (zinc finger protein 469; plus strand). Cytogenetic location: 16q24.2.
Variant type: single nucleotide variant.
Coding change: c.10326G>C on transcript NM_001367624.2 (MANE Select); coding-DNA position 10326, G replaced by C.
Protein change: p.Arg3442Ser; replaces arginine 3442 with serine.
Molecular consequence: missense variant.
Genome position (GRCh38, 1-based): chr16:88,437,796, G>C. VCF-style: chr16-88437796-G-C. GRCh37 (hg19) VCF-style: chr16-88504204-G-C.
Other names: NM_001127464.1:c.10242G>C; NM_001127464.2:c.10242G>C; p.Arg3442Ser; short protein forms R3442S.
Identifiers: ClinVar variation 195118 (VCV000195118.56), dbSNP rs56236932, ClinGen allele CA201578.